The following is an entry in ClinVar:

NM_014795.4(ZEB2):c.2547T>G (p.Val849=)

Gene: ZEB2 (zinc finger E-box binding homeobox 2; minus strand). Cytogenetic location: 2q22.3.
Variant type: single nucleotide variant.
Coding change: c.2547T>G on transcript NM_014795.4 (MANE Select); coding-DNA position 2547, T replaced by G.
Protein change: p.Val849=; no amino-acid change (valine 849 retained).
Molecular consequence: synonymous variant.
Genome position (GRCh38, 1-based): chr2:144,398,640, A>C on the plus strand (T>G on the coding strand, the complement: ZEB2 is on the minus strand). VCF-style: chr2-144398640-A-C. GRCh37 (hg19) VCF-style: chr2-145156207-A-C.
Other names: c.2475T>G, p.Val825= (NM_001171653.2); c.2547T>G (NM_014795.3).
Identifiers: ClinVar variation 1566630 (VCV001566630.10), dbSNP rs908943407, ClinGen allele CA429445657.

ClinVar aggregate classification (germline): Likely benign. Review status: criteria provided, single submitter (1 of 4 stars). 2 submissions from 2 submitters: Likely benign (1). 1 of the submissions does not count toward it. Last evaluated 2025-12-21.

Conditions:
Mowat-Wilson syndrome (MOWS). Also called: Classic Mowat-Wilson Syndrome. Identifiers: Orphanet 2152, MedGen C1856113, MONDO:0009341, OMIM 235730.
ZEB2-related disorder. Also called: ZEB2-related condition.

gnomAD v4.1: 1 of 1,614,140 alleles (0.000062%); highest among the groups gnomAD compares: Non-Finnish European, 0.000085%; no homozygotes.

Submissions (2):

Labcorp Genetics (formerly Invitae), Labcorp
Classification: Likely benign for Mowat-Wilson syndrome. Last evaluated: 2025-12-21. Review status: criteria provided, single submitter. Criteria: Invitae Variant Classification Sherloc (09022015). Collection method: clinical testing. Allele origin: germline.

PreventionGenetics, part of Exact Sciences
Classification: Likely benign for ZEB2-related condition. Last evaluated: 2022-11-09. Review status: no assertion criteria provided. Collection method: clinical testing. Allele origin: germline. Not counted in ClinVar's aggregate classification.
Comment: This variant is classified as likely benign based on ACMG/AMP sequence variant interpretation guidelines (Richards et al. 2015 PMID: 25741868, with internal and published modifications).